The following is an entry in ClinVar:

ClinVar aggregate classification (germline): Uncertain significance (1 of 4 stars; one submission).

gnomAD v4.1: 5 of 1,614,058 alleles (0.00031%); highest among the groups gnomAD compares: Non-Finnish European, 0.00042%; no homozygotes.

Submission:

Labcorp Genetics (formerly Invitae), Labcorp
Classification: Uncertain significance. Last evaluated: 2025-02-09. Review status: criteria provided, single submitter. Criteria: Invitae Variant Classification Sherloc (09022015). Collection method: clinical testing. Allele origin: germline.
Comment: This sequence change replaces alanine, which is neutral and non-polar, with valine, which is neutral and non-polar, at codon 940 of the FLNB protein (p.Ala940Val). This variant is present in population databases (rs757904539, gnomAD 0.002%). This variant has not been reported in the literature in individuals affected with FLNB-related conditions. Invitae Evidence Modeling of protein sequence and biophysical properties (such as structural, functional, and spatial information, amino acid conservation, physicochemical variation, residue mobility, and thermodynamic stability) indicates that this missense variant is not expected to disrupt FLNB protein function with a negative predictive value of 95%. In summary, the available evidence is currently insufficient to determine the role of this variant in disease. Therefore, it has been classified as a Variant of Uncertain Significance.

NM_001457.4(FLNB):c.2819C>T (p.Ala940Val)

Gene: FLNB (filamin B; plus strand). Cytogenetic location: 3p14.3.
Variant type: single nucleotide variant.
Coding change: c.2819C>T on transcript NM_001457.4 (MANE Select); coding-DNA position 2819, C replaced by T.
Protein change: p.Ala940Val; replaces alanine 940 with valine.
Molecular consequence: missense variant.
Genome position (GRCh38, 1-based): chr3:58,118,945, C>T. VCF-style: chr3-58118945-C-T. GRCh37 (hg19) VCF-style: chr3-58104672-C-T.
Other names: c.2819C>T, p.Ala940Val (NM_001164317.2, NM_001164318.2, NM_001164319.2); short protein forms A940V.
Identifiers: ClinVar variation 4801700 (VCV004801700.1).